The following is an entry in ClinVar:

ClinVar aggregate classification (germline): Uncertain significance (1 of 4 stars; one submission).

Submission:

GeneDx
Classification: Uncertain significance. Last evaluated: 2018-05-08. Review status: criteria provided, single submitter. Criteria: GeneDx Variant Classification (06012015). Collection method: clinical testing. Allele origin: germline. Affected: yes.
Comment: The H1406Y variant has not been published as a pathogenic variant, nor has it been reported as a benign variant to our knowledge. The H1406Y variant is not observed in large population cohorts (Lek et al., 2016; 1000 Genomes Consortium et al., 2015; Exome Variant Server). This variant is a non-conservative amino acid substitution, which is likely to impact secondary protein structure as these residues differ in polarity, charge, size and/or other properties. Additionally, this substitution occurs at a position that is conserved in mammals. However, most reported pathogenic variants in the PLEC gene are truncating/loss-of-function. In silico analysis is inconsistent in its predictions as to whether or not the variant is damaging to the protein structure/function.

NM_201384.3(PLEC):c.4135C>T (p.His1379Tyr)

Gene: PLEC (plectin; minus strand). Cytogenetic location: 8q24.3.
Variant type: single nucleotide variant.
Coding change: c.4135C>T on transcript NM_201384.3 (MANE Select); coding-DNA position 4135, C replaced by T.
Protein change: p.His1379Tyr; replaces histidine 1379 with tyrosine.
Molecular consequence: missense variant.
Genome position (GRCh38, 1-based): chr8:143,925,794, G>A on the plus strand (C>T on the coding strand, the complement: PLEC is on the minus strand). VCF-style: chr8-143925794-G-A. GRCh37 (hg19) VCF-style: chr8-144999962-G-A.
Other names: c.4216C>T, p.His1406Tyr (NM_000445.5); c.4093C>T, p.His1365Tyr (NM_201378.4); c.4069C>T, p.His1357Tyr (NM_201379.3); c.4546C>T, p.His1516Tyr (NM_201380.4); c.4039C>T, p.His1347Tyr (NM_201381.3); c.4135C>T, p.His1379Tyr (NM_201382.4); c.4147C>T, p.His1383Tyr (NM_201383.3); short protein forms H1347Y, H1357Y, H1365Y, H1379Y, H1383Y, H1406Y, H1516Y.
Identifiers: ClinVar variation 451322 (VCV000451322.2), dbSNP rs1554704116, ClinGen allele CA372561002.
Genomic context (GRCh38, chr8:143,925,794, plus strand): 5'-CCTGCATGCGCTGCTGCAGCTCCTTCGCCTCCCGCTCCGCCTGTGCCTTTGCCTGGGCGT[G>A]CGCCTCGGCCAGCTGCCGCTGCTTCTCCAGCGCGGCCTCCACCTCGGCCAGCCGCTCGCG-3'
Protein context (NP_958786.1, residues 1369-1389): LEKQRQLAEA[His1379Tyr]AQAKAQAERE